The following is an entry in ClinVar:

NM_018052.5(VAC14):c.967G>A (p.Val323Met)

Gene: VAC14 (VAC14 component of PIKFYVE complex; minus strand). Cytogenetic location: 16q22.1.
Variant type: single nucleotide variant.
Coding change: c.967G>A on transcript NM_018052.5 (MANE Select); coding-DNA position 967, G replaced by A.
Protein change: p.Val323Met; replaces valine 323 with methionine.
Molecular consequence: missense variant.
Genome position (GRCh38, 1-based): chr16:70,780,919, C>T on the plus strand (G>A on the coding strand, the complement: VAC14 is on the minus strand). VCF-style: chr16-70780919-C-T. GRCh37 (hg19) VCF-style: chr16-70814822-C-T.
Other names: c.265G>A, p.Val89Met (NM_001351157.2); short protein forms V89M, V323M.
Identifiers: ClinVar variation 2200522 (VCV002200522.1), dbSNP rs1043746593, ClinGen allele CA283509143.

ClinVar aggregate classification (germline): Uncertain significance (1 of 4 stars; one submission).

Allele frequency attached by ClinVar (database versions not stated): gnomAD 0.00001.
gnomAD v4.1: 11 of 1,614,012 alleles (0.00068%); highest among the groups gnomAD compares: Middle Eastern, 0.016%; no homozygotes.

Submission:

Labcorp Genetics (formerly Invitae), Labcorp
Classification: Uncertain significance. Last evaluated: 2022-07-14. Review status: criteria provided, single submitter. Criteria: Invitae Variant Classification Sherloc (09022015). Collection method: clinical testing. Allele origin: germline.
Comment: This sequence change replaces valine, which is neutral and non-polar, with methionine, which is neutral and non-polar, at codon 323 of the VAC14 protein (p.Val323Met). The frequency data for this variant in the population databases is considered unreliable, as metrics indicate poor data quality at this position in the gnomAD database. This variant has not been reported in the literature in individuals affected with VAC14-related conditions. Algorithms developed to predict the effect of missense changes on protein structure and function output the following: SIFT: "Tolerated"; PolyPhen-2: "Benign"; Align-GVGD: "Class C0". The methionine amino acid residue is found in multiple mammalian species, which suggests that this missense change does not adversely affect protein function. In summary, the available evidence is currently insufficient to determine the role of this variant in disease. Therefore, it has been classified as a Variant of Uncertain Significance.